The following is an entry in ClinVar:

NM_017763.6(RNF43):c.60C>T (p.Thr20=)

Gene: RNF43 (ring finger protein 43; minus strand). Cytogenetic location: 17q22.
Variant type: single nucleotide variant.
Coding change: c.60C>T on transcript NM_017763.6 (MANE Select); coding-DNA position 60, C replaced by T.
Protein change: p.Thr20=; no amino-acid change (threonine 20 retained).
Molecular consequence: synonymous variant. On other transcripts: intron variant (1).
Genome position (GRCh38, 1-based): chr17:58,415,518, G>A on the plus strand (C>T on the coding strand, the complement: RNF43 is on the minus strand). VCF-style: chr17-58415518-G-A. GRCh37 (hg19) VCF-style: chr17-56492879-G-A.
Other names: c.60C>T, p.Thr20= (NM_001305544.3, NM_001438820.1, NM_001438821.1 and 1 more transcripts); c.-130+1499C>T (NM_001437987.1).
Identifiers: ClinVar variation 4875798 (VCV004875798.1).

ClinVar aggregate classification (germline): Benign (1 of 4 stars; one submission).

Conditions:
Sessile serrated polyposis cancer syndrome (SSPCS). Identifiers: Orphanet 157798, MedGen C4310714, MONDO:0014919, OMIM 617108.

gnomAD v4.1: 5 of 1,612,270 alleles (0.00031%); highest among the groups gnomAD compares: Non-Finnish European, 0.00042%; no homozygotes.

Submission:

Myriad Genetics, Inc.
Classification: Benign for Sessile serrated polyposis cancer syndrome. Last evaluated: 2026-06-29. Review status: criteria provided, single submitter. Criteria: Myriad Autosomal Dominant, Autosomal Recessive and X-Linked Classification Criteria (2023). Collection method: clinical testing. Allele origin: unknown.
Comment: This variant is considered benign. This variant is a silent/synonymous amino acid change and it is not expected to impact splicing.